The following is an entry in ClinVar:

ClinVar aggregate classification (germline): Uncertain significance (1 of 4 stars; one submission).

Submission:

Labcorp Genetics (formerly Invitae), Labcorp
Classification: Uncertain significance. Last evaluated: 2022-02-03. Review status: criteria provided, single submitter. Criteria: Invitae Variant Classification Sherloc (09022015). Collection method: clinical testing. Allele origin: germline.
Comment: This sequence change replaces threonine, which is neutral and polar, with isoleucine, which is neutral and non-polar, at codon 859 of the RAI1 protein (p.Thr859Ile). In summary, the available evidence is currently insufficient to determine the role of this variant in disease. Therefore, it has been classified as a Variant of Uncertain Significance. Algorithms developed to predict the effect of missense changes on protein structure and function (SIFT, PolyPhen-2, Align-GVGD) all suggest that this variant is likely to be tolerated. This variant has not been reported in the literature in individuals affected with RAI1-related conditions. This variant is not present in population databases (gnomAD no frequency).

NM_030665.4(RAI1):c.2576C>T (p.Thr859Ile)

Gene: RAI1 (retinoic acid induced 1; plus strand). Cytogenetic location: 17p11.2.
Variant type: single nucleotide variant.
Coding change: c.2576C>T on transcript NM_030665.4 (MANE Select); coding-DNA position 2576, C replaced by T.
Protein change: p.Thr859Ile; replaces threonine 859 with isoleucine.
Molecular consequence: missense variant.
Genome position (GRCh38, 1-based): chr17:17,795,524, C>T. VCF-style: chr17-17795524-C-T. GRCh37 (hg19) VCF-style: chr17-17698838-C-T.
Other names: short protein forms T859I.
Identifiers: ClinVar variation 2059099 (VCV002059099.4), dbSNP rs2508582343, ClinGen allele CA398551542.
Genomic context (GRCh38, chr17:17,795,524, plus strand): 5'-AGGACAGCCGGCACTGCTGTTCCACCGCCGACTTCGGGGACCTCCCACTGCTGCCACCCA[C>T]CAGCAGGAAGGAGGACCTGGAAGCTGAGGAGGAGTACTCCTCCCTATGTGAGCTCCTGGG-3'
Protein context (NP_109590.3, residues 849-869): DFGDLPLLPP[Thr859Ile]SRKEDLEAEE